The following is an entry in ClinVar:

ClinVar aggregate classification (germline): Uncertain significance (1 of 4 stars; one submission).

Conditions:
Hereditary cancer-predisposing syndrome. Also called: Tumor predisposition; Hereditary neoplastic syndrome; Neoplastic Syndromes, Hereditary; Hereditary Cancer Syndrome. Identifiers: Orphanet 140162, MedGen C0027672, MeSH D009386, MONDO:0015356.

Submission:

Ambry Genetics
Classification: Uncertain significance for Hereditary cancer-predisposing syndrome. Last evaluated: 2019-02-13. Review status: criteria provided, single submitter. Criteria: Ambry Variant Classification Scheme 2023. Collection method: clinical testing. Allele origin: germline.
Comment: The p.A458S variant (also known as c.1372G>T), located in coding exon 7 of the RET gene, results from a G to T substitution at nucleotide position 1372. The alanine at codon 458 is replaced by serine, an amino acid with similar properties. This amino acid position is not well conserved in available vertebrate species. In addition, this alteration is predicted to be tolerated by in silico analysis. Since supporting evidence is limited at this time, the clinical significance of this alteration remains unclear.

NM_020975.6(RET):c.1372G>T (p.Ala458Ser)

Gene: RET (ret proto-oncogene; plus strand). Cytogenetic location: 10q11.21.
Variant type: single nucleotide variant.
Coding change: c.1372G>T on transcript NM_020975.6 (MANE Select); coding-DNA position 1372, G replaced by T.
Protein change: p.Ala458Ser; replaces alanine 458 with serine.
Molecular consequence: missense variant.
Genome position (GRCh38, 1-based): chr10:43,111,315, G>T. VCF-style: chr10-43111315-G-T. GRCh37 (hg19) VCF-style: chr10-43606763-G-T.
Other names: c.1372G>T, p.Ala458Ser (NM_000323.2, NM_001406743.1, NM_001406744.1 and 6 more transcripts); c.610G>T, p.Ala204Ser (NM_001355216.2); c.1243G>T, p.Ala415Ser (NM_001406761.1, NM_001406762.1, NM_001406764.1 and 1 more transcripts); c.1084G>T, p.Ala362Ser (NM_001406766.1, NM_001406767.1, NM_001406770.1); c.976G>T, p.Ala326Ser (NM_001406769.1, NM_001406772.1); c.934G>T, p.Ala312Ser (NM_001406771.1, NM_001406773.1); c.847G>T, p.Ala283Ser (NM_001406774.1); c.646G>T, p.Ala216Ser (NM_001406775.1, NM_001406776.1, NM_001406777.1 and 1 more transcripts); and 1 more; short protein forms A458S, A204S, A362S, A216S, A283S, A312S, A326S, A415S.
Identifiers: ClinVar variation 819036 (VCV000819036.6), dbSNP rs1588871212, ClinGen allele CA376549263.